The following is an entry in ClinVar:

ClinVar aggregate classification (germline): Uncertain significance (1 of 4 stars; one submission).

Conditions:
Myopathy, proximal, and ophthalmoplegia (CMYO6). Also called: INCLUSION BODY MYOPATHY 3, AUTOSOMAL DOMINANT; MYOPATHY WITH CONGENITAL JOINT CONTRACTURES, OPHTHALMOPLEGIA, AND RIMMED VACUOLES; CONGENITAL MYOPATHY 6 WITH OPHTHALMOPLEGIA. Identifiers: Orphanet 363677, Orphanet 79091, MedGen C1854106, MONDO:0011577, OMIM 605637.

Submission:

Labcorp Genetics (formerly Invitae), Labcorp
Classification: Uncertain significance for Myopathy, proximal, and ophthalmoplegia. Last evaluated: 2024-02-14. Review status: criteria provided, single submitter. Criteria: Invitae Variant Classification Sherloc (09022015). Collection method: clinical testing. Allele origin: germline.
Comment: This sequence change replaces glutamine, which is neutral and polar, with leucine, which is neutral and non-polar, at codon 558 of the MYH2 protein (p.Gln558Leu). This variant is not present in population databases (gnomAD no frequency). This variant has not been reported in the literature in individuals affected with MYH2-related conditions. ClinVar contains an entry for this variant (Variation ID: 1035383). Advanced modeling of protein sequence and biophysical properties (such as structural, functional, and spatial information, amino acid conservation, physicochemical variation, residue mobility, and thermodynamic stability) performed at Invitae indicates that this missense variant is not expected to disrupt MYH2 protein function with a negative predictive value of 80%. In summary, the available evidence is currently insufficient to determine the role of this variant in disease. Therefore, it has been classified as a Variant of Uncertain Significance.

NM_017534.6(MYH2):c.1673A>T (p.Gln558Leu)

Genes: MYHAS (myosin heavy chain gene cluster antisense RNA; plus strand), MYH2 (myosin heavy chain 2; minus strand). Cytogenetic location: 17p13.1.
Variant type: single nucleotide variant.
Coding change: c.1673A>T on transcript NM_017534.6 (MANE Select); coding-DNA position 1673, A replaced by T.
Protein change: p.Gln558Leu; replaces glutamine 558 with leucine.
Molecular consequence: missense variant.
Genome position (GRCh38, 1-based): chr17:10,537,457, T>A on the plus strand (A>T on the coding strand, the complement: MYH2 is on the minus strand). VCF-style: chr17-10537457-T-A. GRCh37 (hg19) VCF-style: chr17-10440774-T-A.
Other names: c.1673A>T, p.Gln558Leu (NM_001100112.2); short protein forms Q558L.
Identifiers: ClinVar variation 1035383 (VCV001035383.5), dbSNP rs2073495432, ClinGen allele CA398155950.